The following is an entry in ClinVar:

NM_014363.6(SACS):c.13132C>T (p.Arg4378Ter)

Gene: SACS (sacsin molecular chaperone; minus strand). Cytogenetic location: 13q12.12.
Variant type: single nucleotide variant.
Coding change: c.13132C>T on transcript NM_014363.6 (MANE Select); coding-DNA position 13132, C replaced by T.
Protein change: p.Arg4378Ter; replaces arginine 4378 with a stop codon.
Molecular consequence: nonsense.
Genome position (GRCh38, 1-based): chr13:23,330,744, G>A on the plus strand (C>T on the coding strand, the complement: SACS is on the minus strand). VCF-style: chr13-23330744-G-A. GRCh37 (hg19) VCF-style: chr13-23904883-G-A.
Other names: c.13132C>T (NM_014363.5); c.12691C>T, p.Arg4231Ter (NM_001278055.2); short protein forms R4378*, R4231*.
Identifiers: ClinVar variation 370756 (VCV000370756.18), dbSNP rs747868017, ClinGen allele CA16041597.
Genomic context (GRCh38, chr13:23,330,744, plus strand): 5'-AGAATCTCTGAAATGAGTATTTGTCTGACTGAAATCGGGATGCTGAGGTTGAAAATGTTC[G>A]TCTGGAGGCCCTGTCTGCATTTTGATCTAGAAAAGCCTGTTTTTCTAATCTGTTGATTTC-3'

ClinVar aggregate classification (germline): Pathogenic/Likely pathogenic. Review status: criteria provided, multiple submitters, no conflicts (2 of 4 stars). 9 submissions from 9 submitters: Pathogenic (5); Likely pathogenic (3). 1 of the submissions does not count toward it. Last evaluated 2025-07-18.

Conditions:
Charlevoix-Saguenay spastic ataxia (SACS). Also called: Spastic ataxia of Charlevoix-Saguenay; AUTOSOMAL RECESSIVE SPASTIC ATAXIA OF CHARLEVOIX-SAGUENAY; SPASTIC ATAXIA 6, AUTOSOMAL RECESSIVE. Identifiers: Orphanet 98, MedGen C1849140, MONDO:0010041, OMIM 270550.
SACS-related disorder. Also called: SACS-related condition.
Spastic paraplegia. Identifiers: MedGen C0037772, HP:0001258.

Allele frequency attached by ClinVar (database versions not stated): gnomAD exomes below 0.00001; TOPMed below 0.00001.
gnomAD v4.1: 7 of 1,613,878 alleles (0.00043%); highest among the groups gnomAD compares: Non-Finnish European, 0.00059%; no homozygotes.

Submissions (9):

Natera, Inc.
Classification: Pathogenic for Charlevoix-Saguenay type spastic ataxia. Last evaluated: 2025-07-18. Review status: criteria provided, single submitter. Criteria: Natera Variant Classification Schema (03/2026). Collection method: clinical testing. Allele origin: germline.
Comment: The c.13132C>T variant in SACS is a nonsense variant predicted to introduce a stop codon at amino acid 4378. This variant is expected to result in nonsense mediated decay, truncation, or a dysfunctional protein product. This variant is rare in the general population with a frequency below the threshold expected for the associated phenotype(s). This variant has been observed in one or more individuals affected with the associated recessive disease, as either homozygous or compound heterozygous with a second variant (PMID: 20852969, 31429931, 30638817). Additionally, this variant has been observed to segregate in affected family members (PMID: 30638817). Given the available evidence, this variant is classified as Pathogenic.

Labcorp Genetics (formerly Invitae), Labcorp
Classification: Pathogenic for Spastic paraplegia. Last evaluated: 2025-06-12. Review status: criteria provided, single submitter. Criteria: Invitae Variant Classification Sherloc (09022015). Collection method: clinical testing. Allele origin: germline.
Comment: This sequence change creates a premature translational stop signal (p.Arg4378*) in the SACS gene. While this is not anticipated to result in nonsense mediated decay, it is expected to disrupt the last 202 amino acid(s) of the SACS protein. This variant is present in population databases (rs747868017, gnomAD 0.0009%). This premature translational stop signal has been observed in individuals with spastic ataxia of Charlevoix-Saguenay (PMID: 20852969, 30638817). ClinVar contains an entry for this variant (Variation ID: 370756). This variant disrupts a region of the SACS protein in which other variant(s) (p.Tyr4538*) have been determined to be pathogenic (internal data). This suggests that this is a clinically significant region of the protein, and that variants that disrupt it are likely to be disease-causing. For these reasons, this variant has been classified as Pathogenic.

Dasa
Classification: Likely pathogenic. Last evaluated: 2025-04-23. Review status: criteria provided, single submitter. Criteria: DASA Assertion Criteria. Collection method: clinical testing. Allele origin: germline.
Comment: NM_014363.6(SACS):c.13132C>T (p.Arg4378*) is a nonsense variant in SACS predicted to introduce a premature termination codon and is predicted to result in an absent or altered protein product. Loss of function is an established disease mechanism for SACS-associated disorders. This variant has been recurrently observed in individuals with SACS-related disorders (PMID: 20852969; PMID: 30638817). Also, this variant is rare in population databases. Based on the currently available evidence, this variant is classified as likely pathogenic.

Fulgent Genetics
Classification: Pathogenic for Charlevoix-Saguenay spastic ataxia. Last evaluated: 2024-01-30. Review status: criteria provided, single submitter. Criteria: ACMG Guidelines, 2015. Collection method: clinical testing. Allele origin: germline.

Laboratorio de Genetica e Diagnostico Molecular, Hospital Israelita Albert Einstein
Classification: Pathogenic for Charlevoix-Saguenay spastic ataxia. Last evaluated: 2023-09-13. Review status: criteria provided, single submitter. Criteria: ACMG Guidelines, 2015. Collection method: clinical testing. Allele origin: germline. Affected: yes.
Comment: ACMG classification criteria: PVS1 strong, PM2 moderate, PM3 strong, PP1 moderate

3billion
Classification: Likely pathogenic for Charlevoix-Saguenay spastic ataxia. Last evaluated: 2022-05-22. Review status: criteria provided, single submitter. Criteria: ACMG Guidelines, 2015. Collection method: clinical testing. Allele origin: germline. Affected: yes. Observed: 1 heterozygote.
Comment: The variant is observed at an extremely low frequency in the gnomAD v2.1.1 dataset (total allele frequency: <0.001%). Stop-gained (nonsense): predicted to result in a loss or disruption of normal protein function through protein truncation. The predicted truncated protein may be shortened by less than 10%. The variant has been reported to be in trans with a pathogenic variant as either compound heterozygous or homozygous in at least 2 similarly affected unrelated individuals (PMID: 30638817). The variant has been reported to be associated with SACS related disorder (ClinVar ID: VCV000370756 / PMID: 20852969). Therefore, this variant is classified as likely pathogenic according to the recommendation of ACMG/AMP guideline.

PROSPAX: an integrated multimodal progression  chart in spastic ataxias, Center for Neurology; Hertie-Institute for Clinical Brain Research
Classification: Likely pathogenic for Charlevoix-Saguenay spastic ataxia. Last evaluated: 2022-01-01. Review status: criteria provided, single submitter. Criteria: ACMG Guidelines, 2015. Collection method: research. Allele origin: germline. Affected: yes.
Comment: Variant seen in compound het: [c.6000_6004del;c.13132C>T],[c.13132C>T;c.8279del]

Blueprint Genetics
Classification: Pathogenic for SACS-related disorders. Last evaluated: 2021-10-13. Review status: criteria provided, single submitter. Criteria: ACMG Guidelines, 2015. Collection method: clinical testing. Allele origin: germline. Affected: yes. Observed: 1 variant allele.

Counsyl
Classification: Likely pathogenic for Charlevoix-Saguenay spastic ataxia. Last evaluated: 2016-04-12. Review status: no assertion criteria provided. Collection method: clinical testing. Allele origin: unknown. Not counted in ClinVar's aggregate classification.

Literature cited by the submitters: PubMed 20852969 (cited by 5 submitters); PubMed 31429931 (cited by Natera, Inc.); PubMed 30638817 (cited by 4 submitters).